The following is an entry in ClinVar:

NM_020778.5(ALPK3):c.3818-1G>C

Gene: ALPK3 (alpha kinase 3; plus strand). Cytogenetic location: 15q25.3.
Variant type: single nucleotide variant.
Coding change: c.3818-1G>C on transcript NM_020778.5 (MANE Select); the canonical splice acceptor site of the intron before coding-DNA position 3818, G replaced by C.
Molecular consequence: splice acceptor variant.
Genome position (GRCh38, 1-based): chr15:84,859,242, G>C. VCF-style: chr15-84859242-G-C. GRCh37 (hg19) VCF-style: chr15-85402473-G-C.
Identifiers: ClinVar variation 1740499 (VCV001740499.4), dbSNP rs2505723818, ClinGen allele CA393361118.

ClinVar aggregate classification (germline): Pathogenic/Likely pathogenic. Review status: criteria provided, multiple submitters, no conflicts (2 of 4 stars). 2 submissions from 2 submitters: Pathogenic (1); Likely pathogenic (1). Last evaluated 2025-09-29.

Conditions:
Cardiovascular phenotype. Identifiers: MedGen CN230736.
Cardiomyopathy, familial hypertrophic 27. Identifiers: MedGen C4748014, MONDO:0054838, OMIM 618052.

Submissions (2):

3billion
Classification: Pathogenic for Cardiomyopathy, familial hypertrophic 27. Last evaluated: 2025-09-29. Review status: criteria provided, single submitter. Criteria: ACMG Guidelines, 2015. Collection method: clinical testing. Allele origin: germline. Affected: yes.
Comment: The variant is not observed in the gnomAD v4.1.0 dataset. Predicted Consequence/Location: Canonical splice site: predicted to alter splicing and result in a loss or disruption of normal protein function. Multiple pathogenic loss-of-function variants are reported downstream of the variant. In silico tools predict the variant to alter splicing and produce an abnormal transcript [SpliceAI: 0.95 (spliceogenicity >=0.2, non-spliceogenicity <0.1)]. The variant has been reported to be associated with ALPK3-related disorder (ClinVar ID: VCV001740499 /3billion dataset). Therefore, this variant is classified as Pathogenic according to the recommendation of ACMG/AMP guideline.

Ambry Genetics
Classification: Likely pathogenic for Cardiovascular phenotype. Last evaluated: 2022-08-25. Review status: criteria provided, single submitter. Criteria: Ambry Variant Classification Scheme 2023. Collection method: clinical testing. Allele origin: germline.
Comment: The c.4424-1G>C intronic variant results from a G to C substitution one nucleotide upstream from coding exon 7 of the ALPK3 gene. This variant is considered to be rare based on population cohorts in the Genome Aggregation Database (gnomAD). This nucleotide position is highly conserved in available vertebrate species. In silico splice site analysis predicts that this alteration will weaken the native splice acceptor site and may result in the creation or strengthening of a novel splice acceptor site. Alterations that disrupt the canonical splice site are expected to cause aberrant splicing, resulting in an abnormal protein or a transcript that is subject to nonsense-mediated mRNA decay. As such, this alteration is classified as likely pathogenic.